The following is an entry in ClinVar:

ClinVar aggregate classification (germline): Uncertain significance (1 of 4 stars; one submission).

Submission:

Ambry Genetics
Classification: Uncertain significance. Last evaluated: 2025-11-15. Review status: criteria provided, single submitter. Criteria: Ambry Variant Classification Scheme 2023. Collection method: clinical testing. Allele origin: germline.
Comment: The p.Q4K variant (also known as c.10C>A), located in coding exon 1 of the MC1R gene, results from a C to A substitution at nucleotide position 10. The glutamine at codon 4 is replaced by lysine, an amino acid with similar properties. This amino acid position is conserved. In addition, this alteration is predicted to be tolerated by in silico analysis. Based on the available evidence, the clinical significance of this variant remains unclear.

NM_002386.4(MC1R):c.10C>A (p.Gln4Lys)

Gene: MC1R (melanocortin 1 receptor; plus strand). Cytogenetic location: 16q24.3.
Variant type: single nucleotide variant.
Coding change: c.10C>A on transcript NM_002386.4 (MANE Select); coding-DNA position 10, C replaced by A.
Protein change: p.Gln4Lys; replaces glutamine 4 with lysine.
Molecular consequence: missense variant.
Genome position (GRCh38, 1-based): chr16:89,919,268, C>A. VCF-style: chr16-89919268-C-A. GRCh37 (hg19) VCF-style: chr16-89985676-C-A.
Other names: short protein forms Q4K.
Identifiers: ClinVar variation 4550315 (VCV004550315.1).